The following is an entry in ClinVar:

NM_006440.5(TXNRD2):c.455T>G (p.Val152Gly)

Gene: TXNRD2 (thioredoxin reductase 2; minus strand). Cytogenetic location: 22q11.21.
Variant type: single nucleotide variant.
Coding change: c.455T>G on transcript NM_006440.5 (MANE Select); coding-DNA position 455, T replaced by G.
Protein change: p.Val152Gly; replaces valine 152 with glycine.
Molecular consequence: missense variant. On other transcripts: non-coding transcript variant (1).
Genome position (GRCh38, 1-based): chr22:19,915,838, A>C on the plus strand (T>G on the coding strand, the complement: TXNRD2 is on the minus strand). VCF-style: chr22-19915838-A-C. GRCh37 (hg19) VCF-style: chr22-19903361-A-C.
Other names: c.455T>G, p.Val152Gly (NM_001282512.3); c.452T>G, p.Val151Gly (NM_001352300.2); c.365T>G, p.Val122Gly (NM_001352301.2); c.167T>G, p.Val56Gly (NM_001352302.2); c.359T>G, p.Val120Gly (NM_001352303.2); short protein forms V120G, V122G, V151G, V152G, V56G.
Identifiers: ClinVar variation 3225593 (VCV003225593.1), dbSNP rs1187741393, ClinGen allele CA410692767.

ClinVar aggregate classification (germline): Uncertain significance (1 of 4 stars; one submission).

Conditions:
Cardiovascular phenotype. Identifiers: MedGen CN230736.

Allele frequency attached by ClinVar (database versions not stated): gnomAD exomes below 0.00001.
gnomAD v4.1: 1 of 1,614,038 alleles (0.000062%); highest among the groups gnomAD compares: Non-Finnish European, 0.000085%; no homozygotes.

Submission:

Ambry Genetics
Classification: Uncertain significance for Cardiovascular phenotype. Last evaluated: 2023-11-08. Review status: criteria provided, single submitter. Criteria: Ambry Variant Classification Scheme 2023. Collection method: clinical testing. Allele origin: germline.
Comment: The p.V152G variant (also known as c.455T>G), located in coding exon 6 of the TXNRD2 gene, results from a T to G substitution at nucleotide position 455. The valine at codon 152 is replaced by glycine, an amino acid with dissimilar properties. This amino acid position is conserved. In addition, this alteration is predicted to be deleterious by in silico analysis. Since supporting evidence is limited at this time, the clinical significance of this alteration remains unclear.